The following is an entry in ClinVar:

ClinVar aggregate classification (germline): Pathogenic (1 of 4 stars; one submission).

Conditions:
Familial thoracic aortic aneurysm and aortic dissection (TAAD). Also called: Thoracic aortic aneurysms and dissections. Identifiers: Orphanet 91387, MedGen C4707243, MONDO:0019625.
Marfan syndrome (MFS). Also called: FBN1-Related Marfan Syndrome; Marfan's syndrome; MARFAN SYNDROME, TYPE I; Marfan syndrome type 1; Marfan syndrome, classic. Identifiers: Orphanet 284963, Orphanet 558, MedGen C0024796, MONDO:0007947, OMIM 154700.

Submission:

Labcorp Genetics (formerly Invitae), Labcorp
Classification: Pathogenic for Marfan syndrome; Familial thoracic aortic aneurysm and aortic dissection. Last evaluated: 2025-09-14. Review status: criteria provided, single submitter. Criteria: Invitae Variant Classification Sherloc (09022015). Collection method: clinical testing. Allele origin: germline.
Comment: This sequence change affects a donor splice site in intron 49 of the FBN1 gene. It is expected to disrupt RNA splicing. Variants that disrupt the donor or acceptor splice site typically lead to a loss of protein function (PMID: 16199547), and loss-of-function variants in FBN1 are known to be pathogenic (PMID: 17657824, 19293843). This variant is not present in population databases (gnomAD no frequency). Disruption of this splice site has been observed in individuals with Marfan syndrome (PMID: 15241795, 27611364; internal data). ClinVar contains an entry for this variant (Variation ID: 843770). Algorithms developed to predict the effect of sequence changes on RNA splicing suggest that this variant may disrupt the consensus splice site. For these reasons, this variant has been classified as Pathogenic.

Literature cited by the submitters: PubMed 16199547; PubMed 17657824; PubMed 19293843; PubMed 15241795; PubMed 27611364.

NM_000138.5(FBN1):c.6037+2T>C

Gene: FBN1 (fibrillin 1; minus strand). Cytogenetic location: 15q21.1.
Variant type: single nucleotide variant.
Coding change: c.6037+2T>C on transcript NM_000138.5 (MANE Select); the canonical splice donor site of the intron after coding-DNA position 6037, T replaced by C.
Molecular consequence: splice donor variant.
Genome position (GRCh38, 1-based): chr15:48,444,539, A>G on the plus strand (T>C on the coding strand, the complement: FBN1 is on the minus strand). VCF-style: chr15-48444539-A-G. GRCh37 (hg19) VCF-style: chr15-48736736-A-G.
Other names: c.6037+2T>C (NM_001406716.1).
Identifiers: ClinVar variation 843770 (VCV000843770.10), dbSNP rs2043139226, ClinGen allele CA392339454.